The following is an entry in ClinVar:

NM_002878.4(RAD51D):c.802T>A (p.Trp268Arg)

Genes: RAD51D (RAD51 paralog D; minus strand), RAD51L3-RFFL (RAD51L3-RFFL readthrough; minus strand). Cytogenetic location: 17q12.
Variant type: single nucleotide variant.
Coding change: c.802T>A on transcript NM_002878.4 (MANE Select); coding-DNA position 802, T replaced by A.
Protein change: p.Trp268Arg; replaces tryptophan 268 with arginine.
Molecular consequence: missense variant. On other transcripts: non-coding transcript variant (3).
Genome position (GRCh38, 1-based): chr17:35,101,302, A>T on the plus strand (T>A on the coding strand, the complement: RAD51D is on the minus strand). VCF-style: chr17-35101302-A-T. GRCh37 (hg19) VCF-style: chr17-33428321-A-T.
Other names: c.862T>A, p.Trp288Arg (NM_001142571.2); c.466T>A, p.Trp156Arg (NM_133629.3); short protein forms W268R, W156R, W288R.
Identifiers: ClinVar variation 234037 (VCV000234037.33), dbSNP rs755965977, ClinGen allele CA8499340.

ClinVar aggregate classification (germline): Uncertain significance. Review status: criteria provided, multiple submitters, no conflicts (2 of 4 stars). 9 submissions from 9 submitters: Uncertain significance (9). Last evaluated 2025-12-15.

Conditions:
Breast-ovarian cancer, familial, susceptibility to, 4. Identifiers: Orphanet 145, MedGen C3280345, MONDO:0013669, OMIM 614291.
Hereditary cancer-predisposing syndrome. Also called: Neoplastic Syndromes, Hereditary; Tumor predisposition; Hereditary Cancer Syndrome; Hereditary neoplastic syndrome. Identifiers: Orphanet 140162, MedGen C0027672, MeSH D009386, MONDO:0015356.

Allele frequency attached by ClinVar (database versions not stated): gnomAD exomes below 0.00001; TOPMed below 0.00001; ExAC 0.00001.
gnomAD v4.1: 2 of 1,614,192 alleles (0.00012%); highest among the groups gnomAD compares: Admixed American, 0.0033%; no homozygotes.

Submissions (9):

Labcorp Genetics (formerly Invitae), Labcorp
Classification: Uncertain significance for Breast-ovarian cancer, familial, susceptibility to, 4. Last evaluated: 2025-12-15. Review status: criteria provided, single submitter. Criteria: Invitae Variant Classification Sherloc (09022015). Collection method: clinical testing. Allele origin: germline.
Comment: This sequence change replaces tryptophan, which is neutral and slightly polar, with arginine, which is basic and polar, at codon 268 of the RAD51D protein (p.Trp268Arg). This variant is present in population databases (rs755965977, gnomAD 0.003%). This variant has not been reported in the literature in individuals affected with RAD51D-related conditions. ClinVar contains an entry for this variant (Variation ID: 234037). Invitae Evidence Modeling of protein sequence and biophysical properties (such as structural, functional, and spatial information, amino acid conservation, physicochemical variation, residue mobility, and thermodynamic stability) indicates that this missense variant is expected to disrupt RAD51D protein function with a positive predictive value of 80%. In summary, the available evidence is currently insufficient to determine the role of this variant in disease. Therefore, it has been classified as a Variant of Uncertain Significance.

Ambry Genetics
Classification: Uncertain significance for Hereditary cancer-predisposing syndrome. Last evaluated: 2025-07-18. Review status: criteria provided, single submitter. Criteria: Ambry Variant Classification Scheme 2023. Collection method: clinical testing. Allele origin: germline.
Comment: The p.W268R variant (also known as c.802T>A), located in coding exon 9 of the RAD51D gene, results from a T to A substitution at nucleotide position 802. The tryptophan at codon 268 is replaced by arginine, an amino acid with dissimilar properties. This amino acid position is highly conserved in available vertebrate species. In addition, this alteration is predicted to be deleterious by in silico analysis. Since supporting evidence is limited at this time, the clinical significance of this alteration remains unclear.

Women's Health and Genetics/Laboratory Corporation of America, LabCorp
Classification: Uncertain significance. Last evaluated: 2025-05-03. Review status: criteria provided, single submitter. Criteria: LabCorp Variant Classification Summary - May 2015. Collection method: clinical testing. Allele origin: germline.

Quest Diagnostics Nichols Institute San Juan Capistrano
Classification: Uncertain significance. Last evaluated: 2024-11-22. Review status: criteria provided, single submitter. Criteria: Quest Diagnostics criteria. Collection method: clinical testing. Allele origin: unknown.
Comment: The RAD51D c.802T>A (p.Trp268Arg) variant has not been reported in individuals with RAD51D-related conditions in the published literature. The frequency of this variant in the general population, 0.000004 (1/251430 chromosomes (Genome Aggregation Database)), is uninformative in the assessment of its pathogenicity. Analysis of this variant using bioinformatics tools for the prediction of the effect of amino acid changes on protein structure and function yielded predictions that this variant is damaging. Based on the available information, we are unable to determine the clinical significance of this variant.

Fulgent Genetics
Classification: Uncertain significance for Breast-ovarian cancer, familial, susceptibility to, 4. Last evaluated: 2024-06-16. Review status: criteria provided, single submitter. Criteria: ACMG Guidelines, 2015. Collection method: clinical testing. Allele origin: germline.

GeneDx
Classification: Uncertain significance. Last evaluated: 2024-04-01. Review status: criteria provided, single submitter. Criteria: GeneDx Variant Classification Process June 2021. Collection method: clinical testing. Allele origin: germline. Affected: yes.
Comment: Not observed at significant frequency in large population cohorts (gnomAD); In silico analysis supports that this missense variant has a deleterious effect on protein structure/function; Has not been previously published as pathogenic or benign to our knowledge; This variant is associated with the following publications: (PMID: 21111057, 14704354, 19327148)

Color Diagnostics, LLC DBA Color Health
Classification: Uncertain significance for Hereditary cancer-predisposing syndrome. Last evaluated: 2024-03-06. Review status: criteria provided, single submitter. Criteria: ACMG Guidelines, 2015. Collection method: clinical testing. Allele origin: germline.
Comment: This missense variant replaces tryptophan with arginine at codon 268 of the RAD51D protein. Computational prediction is inconclusive regarding the impact of this variant on protein structure and function (internally defined REVEL score threshold 0.5 < inconclusive < 0.7, PMID: 27666373). To our knowledge, functional studies have not been reported for this variant. This variant has not been reported in individuals affected with hereditary cancer in the literature. This variant has been identified in 1/251430 chromosomes in the general population by the Genome Aggregation Database (gnomAD). The available evidence is insufficient to determine the role of this variant in disease conclusively. Therefore, this variant is classified as a Variant of Uncertain Significance.

Baylor Genetics
Classification: Uncertain significance for Breast-ovarian cancer, familial, susceptibility to, 4. Last evaluated: 2023-08-28. Review status: criteria provided, single submitter. Criteria: ACMG Guidelines, 2015. Collection method: clinical testing. Allele origin: unknown.

Genetic Services Laboratory, University of Chicago
Classification: Uncertain significance. Last evaluated: 2021-01-25. Review status: criteria provided, single submitter. Criteria: ACMG Guidelines, 2015. Collection method: clinical testing. Allele origin: germline. Affected: no.
Comment: DNA sequence analysis of the RAD51D gene demonstrated a sequence change, c.802T>A, in exon 9 that results in an amino acid change, p.Trp268Arg. This sequence change does not appear to have been previously described in patients with RAD51D-related disorders and has been described in the gnomAD database in just one individual (population frequency of 0.003% in the Latino/Admixed American subpopulation) (dbSNP rs755965977). The p.Trp268Arg change affects a highly conserved amino acid residue located in a domain of the RAD51D protein that is known to be functional. The p.Trp268Arg substitution appears to be deleterious using several in-silico pathogenicity prediction tools (SIFT, PolyPhen2, Align GVGD, REVEL) however this information does not predict clinical significance on its own. Due to these contrasting evidences and the lack of functional studies, the clinical significance of the p.Trp268Arg change remains unknown at this time.